The following is an entry in ClinVar:

ClinVar aggregate classification (germline): Uncertain significance. Review status: criteria provided, multiple submitters, no conflicts (2 of 4 stars). 2 submissions from 2 submitters: Uncertain significance (2). Last evaluated 2024-11-18.

Conditions:
Long QT syndrome (LQTS). Identifiers: MedGen C0023976, MeSH D008133, MONDO:0002442. Disease mechanism: loss of function. Inheritance: Various modes of inheritance.
Cardiovascular phenotype. Identifiers: MedGen CN230736.

Allele frequency attached by ClinVar (database versions not stated): gnomAD exomes 0.00001; TOPMed 0.00001; ExAC 0.00002; gnomAD 0.00002.
gnomAD v4.1: 7 of 1,612,782 alleles (0.00043%); highest among the groups gnomAD compares: Admixed American, 0.005%; no homozygotes.

Submissions (2):

Labcorp Genetics (formerly Invitae), Labcorp
Classification: Uncertain significance for Long QT syndrome. Last evaluated: 2024-11-18. Review status: criteria provided, single submitter. Criteria: Invitae Variant Classification Sherloc (09022015). Collection method: clinical testing. Allele origin: germline.
Comment: This sequence change replaces glutamine, which is neutral and polar, with arginine, which is basic and polar, at codon 2009 of the AKAP9 protein (p.Gln2009Arg). This variant is present in population databases (rs780100627, gnomAD 0.008%). This variant has not been reported in the literature in individuals affected with AKAP9-related conditions. ClinVar contains an entry for this variant (Variation ID: 1751148). An algorithm developed to predict the effect of missense changes on protein structure and function (PolyPhen-2) suggests that this variant is likely to be disruptive. In summary, the available evidence is currently insufficient to determine the role of this variant in disease. Therefore, it has been classified as a Variant of Uncertain Significance.

Ambry Genetics
Classification: Uncertain significance for Cardiovascular phenotype. Last evaluated: 2019-10-08. Review status: criteria provided, single submitter. Criteria: Ambry Variant Classification Scheme 2023. Collection method: clinical testing. Allele origin: germline.
Comment: The p.Q2009R variant (also known as c.6026A>G), located in coding exon 25 of the AKAP9 gene, results from an A to G substitution at nucleotide position 6026. The glutamine at codon 2009 is replaced by arginine, an amino acid with highly similar properties. This amino acid position is highly conserved in available vertebrate species. In addition, this alteration is predicted to be tolerated by in silico analysis. Since supporting evidence is limited at this time, the clinical significance of this alteration remains unclear.

NM_005751.5(AKAP9):c.6026A>G (p.Gln2009Arg)

Gene: AKAP9 (A-kinase anchoring protein 9; plus strand). Cytogenetic location: 7q21.2.
Variant type: single nucleotide variant.
Coding change: c.6026A>G on transcript NM_005751.5 (MANE Select); coding-DNA position 6026, A replaced by G.
Protein change: p.Gln2009Arg; replaces glutamine 2009 with arginine.
Molecular consequence: missense variant.
Genome position (GRCh38, 1-based): chr7:92,065,279, A>G. VCF-style: chr7-92065279-A-G. GRCh37 (hg19) VCF-style: chr7-91694593-A-G.
Other names: c.671A>G, p.Gln224Arg (NM_001379277.1); c.6026A>G, p.Gln2009Arg (NM_147185.3); short protein forms Q2009R, Q224R.
Identifiers: ClinVar variation 1751148 (VCV001751148.5), dbSNP rs780100627, ClinGen allele CA4336987.